The following is an entry in ClinVar:

NM_000130.5(F5):c.4724A>G (p.Asn1575Ser)

Gene: F5 (coagulation factor V; minus strand). Cytogenetic location: 1q24.2.
Variant type: single nucleotide variant.
Coding change: c.4724A>G on transcript NM_000130.5 (MANE Select); coding-DNA position 4724, A replaced by G.
Protein change: p.Asn1575Ser; replaces asparagine 1575 with serine.
Molecular consequence: missense variant.
Genome position (GRCh38, 1-based): chr1:169,540,366, T>C on the plus strand (A>G on the coding strand, the complement: F5 is on the minus strand). VCF-style: chr1-169540366-T-C. GRCh37 (hg19) VCF-style: chr1-169509604-T-C.
Other names: short protein forms N1575S.
Identifiers: ClinVar variation 2441324 (VCV002441324.5), dbSNP rs549128015, ClinGen allele CA1233658.

ClinVar aggregate classification (germline): Uncertain significance. Review status: criteria provided, multiple submitters, no conflicts (2 of 4 stars). 3 submissions from 3 submitters: Uncertain significance (3). Last evaluated 2025-12-11.

Conditions:
Inborn genetic diseases. Identifiers: MedGen C0950123, MeSH D030342.
Congenital factor V deficiency. Also called: Hereditary factor V deficiency disease; LABILE FACTOR DEFICIENCY; OWREN PARAHEMOPHILIA; PARAHEMOPHILIA. Identifiers: Orphanet 326, MedGen C0015499, MONDO:0009210, OMIM 227400.

Allele frequency attached by ClinVar (database versions not stated): gnomAD exomes 0.00002; ExAC 0.00003; gnomAD 0.00003; TOPMed 0.00003; 1000 Genomes Project 30x 0.00016; 1000 Genomes Project 0.00020.
gnomAD v4.1: 41 of 1,614,016 alleles (0.0025%); highest among the groups gnomAD compares: Admixed American, 0.01%; no homozygotes.

Submissions (3):

Ambry Genetics
Classification: Uncertain significance for Inborn genetic diseases. Last evaluated: 2025-12-11. Review status: criteria provided, single submitter. Criteria: Ambry Variant Classification Scheme 2023. Collection method: clinical testing. Allele origin: germline.

Labcorp Genetics (formerly Invitae), Labcorp
Classification: Uncertain significance for Congenital factor V deficiency. Last evaluated: 2025-11-18. Review status: criteria provided, single submitter. Criteria: Invitae Variant Classification Sherloc (09022015). Collection method: clinical testing. Allele origin: germline.
Comment: This sequence change replaces asparagine, which is neutral and polar, with serine, which is neutral and polar, at codon 1575 of the F5 protein (p.Asn1575Ser). This variant is present in population databases (rs549128015, gnomAD 0.009%). This variant has not been reported in the literature in individuals affected with F5-related conditions. ClinVar contains an entry for this variant (Variation ID: 2441324). An algorithm developed to predict the effect of missense changes on protein structure and function outputs the following: PolyPhen-2: "Benign". The serine amino acid residue is found in multiple mammalian species, which suggests that this missense change does not adversely affect protein function. In summary, the available evidence is currently insufficient to determine the role of this variant in disease. Therefore, it has been classified as a Variant of Uncertain Significance.

Revvity Omics, Revvity
Classification: Uncertain significance. Last evaluated: 2020-03-12. Review status: criteria provided, single submitter. Criteria: ACMG Guidelines, 2015. Collection method: clinical testing. Allele origin: germline.